The following is an entry in ClinVar:

NM_006390.4(IPO8):c.1772A>G (p.Lys591Arg)

Gene: IPO8 (importin 8; minus strand). Cytogenetic location: 12p11.21.
Variant type: single nucleotide variant.
Coding change: c.1772A>G on transcript NM_006390.4 (MANE Select); coding-DNA position 1772, A replaced by G.
Protein change: p.Lys591Arg; replaces lysine 591 with arginine.
Molecular consequence: missense variant.
Genome position (GRCh38, 1-based): chr12:30,661,250, T>C on the plus strand (A>G on the coding strand, the complement: IPO8 is on the minus strand). VCF-style: chr12-30661250-T-C. GRCh37 (hg19) VCF-style: chr12-30814184-T-C.
Other names: c.1157A>G, p.Lys386Arg (NM_001190995.2); short protein forms K386R, K591R.
Identifiers: ClinVar variation 4887513 (VCV004887513.1).
Genomic context (GRCh38, chr12:30,661,250, plus strand): 5'-ATTCCCATAGCCATTACTGTTTTGTCTTCAACTTCTTCATATTCATCACTTTGAAGAACT[T>C]TGCCAAATATCTCAGCCTATGAAAATAACATTAAAGTATTCCGCAATTAGTAGTACTGTT-3'
Protein context (NP_006381.2, residues 581-601): MTQHLAEIFG[Lys591Arg]VLQSDEYEEV

ClinVar aggregate classification (germline): Likely benign (1 of 4 stars; one submission).

gnomAD v4.1: 268 of 1,593,432 alleles (0.017%); highest among the groups gnomAD compares: African/African-American, 0.35%; no homozygotes.

Submission:

Women's Health and Genetics/Laboratory Corporation of America, LabCorp
Classification: Likely benign. Last evaluated: 2026-06-04. Review status: criteria provided, single submitter. Criteria: LabCorp Variant Classification Summary - May 2015. Collection method: clinical testing. Allele origin: germline.
Comment: Variant summary: IPO8 c.1772A>G (p.Lys591Arg) results in a conservative amino acid change in the encoded protein sequence. Algorithms developed to predict the effect of missense changes on protein structure and function are either unavailable or do not agree on the potential impact of this missense change. The variant allele was found at a frequency of 0.0003 in 231466 control chromosomes, predominantly at a frequency of 0.0044 within the African or African-American subpopulation in the gnomAD database. The observed variant frequency within African or African-American control individuals in the gnomAD database exceeds the estimated maximal expected allele frequency for disease-causing variants in IPO8. To our knowledge, no occurrence of c.1772A>G in individuals affected with IPO8-related conditions and no experimental evidence demonstrating its impact on protein function have been reported. No submitters have cited clinical-significance assessments for this variant to ClinVar. Based on the evidence outlined above, the variant was classified as likely benign.